The following is an entry in ClinVar:

NM_004046.6(ATP5F1A):c.16G>T (p.Val6Phe)

Genes: ATP5F1A (ATP synthase F1 subunit alpha; minus strand), LOC126862738 (BRD4-independent group 4 enhancer GRCh37_chr18:43677662-43678861; plus strand). Cytogenetic location: 18q21.1.
Variant type: single nucleotide variant.
Coding change: c.16G>T on transcript NM_004046.6 (MANE Select); coding-DNA position 16, G replaced by T.
Protein change: p.Val6Phe; replaces valine 6 with phenylalanine.
Molecular consequence: missense variant. On other transcripts: 5 prime UTR variant (2).
Genome position (GRCh38, 1-based): chr18:46,098,216, C>A on the plus strand (G>T on the coding strand, the complement: ATP5F1A is on the minus strand). VCF-style: chr18-46098216-C-A. GRCh37 (hg19) VCF-style: chr18-43678182-C-A.
Other names: c.-208G>T (NM_001001935.3); c.16G>T, p.Val6Phe (NM_001001937.2, NM_001257334.2); c.-471G>T (NM_001257335.2); c.16G>T (NM_001001937.1); short protein forms V6F.
Identifiers: ClinVar variation 1929030 (VCV001929030.6), dbSNP rs781062922, ClinGen allele CA8951003.
Genomic context (GRCh38, chr18:46,098,216, plus strand): 5'-GGCCTTCGGTGCTCACCAGTCCGGCCCGCCGAGGAAGGGCGCGGACCACGGCCGCAGCAA[C>A]GCGCACGGACAGCATCTTTGCAGTTACTCCGCAGGCGGTACTTCTGCAGCCGCAGCCTCC-3'
Protein context (NP_004037.1, residues 1-16): MLSVR[Val6Phe]AAAVVRALPR

ClinVar aggregate classification (germline): Uncertain significance. Review status: criteria provided, multiple submitters, no conflicts (2 of 4 stars). 2 submissions from 2 submitters: Uncertain significance (2). Last evaluated 2025-03-26.

Conditions:
Inborn genetic diseases. Identifiers: MedGen C0950123, MeSH D030342.

Allele frequency attached by ClinVar (database versions not stated): gnomAD 0.00001; TOPMed 0.00001.

Submissions (2):

Ambry Genetics
Classification: Uncertain significance for Inborn genetic diseases. Last evaluated: 2025-03-26. Review status: criteria provided, single submitter. Criteria: Ambry Variant Classification Scheme 2023. Collection method: clinical testing. Allele origin: germline.

Labcorp Genetics (formerly Invitae), Labcorp
Classification: Uncertain significance. Last evaluated: 2025-02-28. Review status: criteria provided, single submitter. Criteria: Invitae Variant Classification Sherloc (09022015). Collection method: clinical testing. Allele origin: germline.
Comment: This sequence change replaces valine, which is neutral and non-polar, with phenylalanine, which is neutral and non-polar, at codon 6 of the ATP5A1 protein (p.Val6Phe). The frequency data for this variant in the population databases is considered unreliable, as metrics indicate poor data quality at this position in the gnomAD database. This variant has not been reported in the literature in individuals affected with ATP5A1-related conditions. ClinVar contains an entry for this variant (Variation ID: 1929030). Experimental studies and prediction algorithms are not available or were not evaluated, and the functional significance of this variant is currently unknown. In summary, the available evidence is currently insufficient to determine the role of this variant in disease. Therefore, it has been classified as a Variant of Uncertain Significance.